The following is an entry in ClinVar:

ClinVar aggregate classification (germline): Uncertain significance (1 of 4 stars; one submission).

Conditions:
Frontotemporal dementia and/or amyotrophic lateral sclerosis 4. Also called: FTDALS4. Identifiers: Orphanet 275872, MedGen C4225325, MONDO:0014641, OMIM 616439.

Submission:

Labcorp Genetics (formerly Invitae), Labcorp
Classification: Uncertain significance for Frontotemporal dementia and/or amyotrophic lateral sclerosis 4. Last evaluated: 2023-05-09. Review status: criteria provided, single submitter. Criteria: Invitae Variant Classification Sherloc (09022015). Collection method: clinical testing. Allele origin: germline.
Comment: In summary, the available evidence is currently insufficient to determine the role of this variant in disease. Therefore, it has been classified as a Variant of Uncertain Significance. Advanced modeling of protein sequence and biophysical properties (such as structural, functional, and spatial information, amino acid conservation, physicochemical variation, residue mobility, and thermodynamic stability) performed at Invitae indicates that this missense variant is not expected to disrupt TBK1 protein function. ClinVar contains an entry for this variant (Variation ID: 852130). This variant has not been reported in the literature in individuals affected with TBK1-related conditions. This variant is not present in population databases (gnomAD no frequency). This sequence change replaces glycine, which is neutral and non-polar, with aspartic acid, which is acidic and polar, at codon 541 of the TBK1 protein (p.Gly541Asp).

NM_013254.4(TBK1):c.1622G>A (p.Gly541Asp)

Gene: TBK1 (TANK binding kinase 1; plus strand). Cytogenetic location: 12q14.2.
Variant type: single nucleotide variant.
Coding change: c.1622G>A on transcript NM_013254.4 (MANE Select); coding-DNA position 1622, G replaced by A.
Protein change: p.Gly541Asp; replaces glycine 541 with aspartic acid.
Molecular consequence: missense variant.
Genome position (GRCh38, 1-based): chr12:64,495,583, G>A. VCF-style: chr12-64495583-G-A. GRCh37 (hg19) VCF-style: chr12-64889363-G-A.
Other names: short protein forms G541D.
Identifiers: ClinVar variation 852130 (VCV000852130.9), dbSNP rs2040917422, ClinGen allele CA385604401.